The following is an entry in ClinVar:

ClinVar aggregate classification (germline): Uncertain significance (1 of 4 stars; one submission).

Allele frequency attached by ClinVar (database versions not stated): gnomAD exomes 0.00001.
gnomAD v4.1: 13 of 1,614,022 alleles (0.00081%); highest among the groups gnomAD compares: Admixed American, 0.0033%; no homozygotes.

Submission:

Women's Health and Genetics/Laboratory Corporation of America, LabCorp
Classification: Uncertain significance. Last evaluated: 2024-02-15. Review status: criteria provided, single submitter. Criteria: LabCorp Variant Classification Summary - May 2015. Collection method: clinical testing. Allele origin: germline.
Comment: Variant summary: ASH1L c.1658G>A (p.Ser553Asn) results in a conservative amino acid change in the encoded protein sequence. Five of five in-silico tools predict a benign effect of the variant on protein function. The variant allele was found at a frequency of 4e-06 in 251078 control chromosomes. The available data on variant occurrences in the general population are insufficient to allow any conclusion about variant significance. To our knowledge, no occurrence of c.1658G>A in individuals affected with Intellectual Disability, Autosomal Dominant 52 and no experimental evidence demonstrating its impact on protein function have been reported. No submitters have cited clinical-significance assessments for this variant to ClinVar. Based on the evidence outlined above, the variant was classified as uncertain significance.

NM_018489.3(ASH1L):c.1658G>A (p.Ser553Asn)

Gene: ASH1L (ASH1 like histone lysine methyltransferase; minus strand). Cytogenetic location: 1q22.
Variant type: single nucleotide variant.
Coding change: c.1658G>A on transcript NM_018489.3 (MANE Select); coding-DNA position 1658, G replaced by A.
Protein change: p.Ser553Asn; replaces serine 553 with asparagine.
Molecular consequence: missense variant.
Genome position (GRCh38, 1-based): chr1:155,481,212, C>T on the plus strand (G>A on the coding strand, the complement: ASH1L is on the minus strand). VCF-style: chr1-155481212-C-T. GRCh37 (hg19) VCF-style: chr1-155451003-C-T.
Other names: c.1658G>A, p.Ser553Asn (NM_001366177.2); short protein forms S553N.
Identifiers: ClinVar variation 3069126 (VCV003069126.2), dbSNP rs1241387057, ClinGen allele CA342732055.